The following is an entry in ClinVar:

ClinVar aggregate classification (germline): Uncertain significance (1 of 4 stars; one submission).

Submission:

GeneDx
Classification: Uncertain significance. Last evaluated: 2025-07-21. Review status: criteria provided, single submitter. Criteria: GeneDx Variant Classification Process June 2021. Collection method: clinical testing. Allele origin: germline. Affected: yes.
Comment: Not observed at significant frequency in large population cohorts (gnomAD); In silico analysis suggests that this missense variant does not alter protein structure/function; Has not been previously published as pathogenic or benign to our knowledge

NM_001371928.1(AHDC1):c.892C>T (p.Pro298Ser)

Gene: AHDC1 (AT-hook DNA binding motif containing 1; minus strand). Cytogenetic location: 1p36.11.
Variant type: single nucleotide variant.
Coding change: c.892C>T on transcript NM_001371928.1 (MANE Select); coding-DNA position 892, C replaced by T.
Protein change: p.Pro298Ser; replaces proline 298 with serine.
Molecular consequence: missense variant.
Genome position (GRCh38, 1-based): chr1:27,551,224, G>A on the plus strand (C>T on the coding strand, the complement: AHDC1 is on the minus strand). VCF-style: chr1-27551224-G-A. GRCh37 (hg19) VCF-style: chr1-27877735-G-A.
Other names: c.892C>T, p.Pro298Ser (NM_001029882.3); short protein forms P298S.
Identifiers: ClinVar variation 4686982 (VCV004686982.1).